The following is an entry in ClinVar:

ClinVar aggregate classification (germline): Uncertain significance. Review status: criteria provided, multiple submitters, no conflicts (2 of 4 stars). 2 submissions from 2 submitters: Uncertain significance (2). Last evaluated 2025-12-15.

Conditions:
Hereditary cancer-predisposing syndrome. Also called: Hereditary Cancer Syndrome; Neoplastic Syndromes, Hereditary; Tumor predisposition; Hereditary neoplastic syndrome. Identifiers: Orphanet 140162, MedGen C0027672, MeSH D009386, MONDO:0015356.
Oligodontia-cancer predisposition syndrome. Also called: TOOTH AGENESIS-COLORECTAL CANCER SYNDROME. Identifiers: Orphanet 300576, MedGen C1837750, MONDO:0012075, OMIM 608615. Disease mechanism: loss of function.

gnomAD v4.1: 2 of 1,603,352 alleles (0.00012%); highest among the groups gnomAD compares: Non-Finnish European, 0.00017%; no homozygotes.

Submissions (2):

Ambry Genetics
Classification: Uncertain significance for Hereditary cancer-predisposing syndrome. Last evaluated: 2025-12-15. Review status: criteria provided, single submitter. Criteria: Ambry Variant Classification Scheme 2023. Collection method: clinical testing. Allele origin: germline.
Comment: The p.S479F variant (also known as c.1436C>T), located in coding exon 5 of the AXIN2 gene, results from a C to T substitution at nucleotide position 1436. The serine at codon 479 is replaced by phenylalanine, an amino acid with highly dissimilar properties. This amino acid position is poorly conserved in available vertebrate species. In addition, this alteration is predicted to be tolerated by in silico analysis. Since supporting evidence is limited at this time, the clinical significance of this alteration remains unclear.

Labcorp Genetics (formerly Invitae), Labcorp
Classification: Uncertain significance for Oligodontia-cancer predisposition syndrome. Last evaluated: 2025-09-03. Review status: criteria provided, single submitter. Criteria: Invitae Variant Classification Sherloc (09022015). Collection method: clinical testing. Allele origin: germline.
Comment: This sequence change replaces serine, which is neutral and polar, with phenylalanine, which is neutral and non-polar, at codon 479 of the AXIN2 protein (p.Ser479Phe). This variant is not present in population databases (gnomAD no frequency). This variant has not been reported in the literature in individuals affected with AXIN2-related conditions. ClinVar contains an entry for this variant (Variation ID: 1010554). An algorithm developed to predict the effect of missense changes on protein structure and function (PolyPhen-2) suggests that this variant is likely to be tolerated. In summary, the available evidence is currently insufficient to determine the role of this variant in disease. Therefore, it has been classified as a Variant of Uncertain Significance.

NM_004655.4(AXIN2):c.1436C>T (p.Ser479Phe)

Gene: AXIN2 (axin 2; minus strand). Cytogenetic location: 17q24.1.
Variant type: single nucleotide variant.
Coding change: c.1436C>T on transcript NM_004655.4 (MANE Select); coding-DNA position 1436, C replaced by T.
Protein change: p.Ser479Phe; replaces serine 479 with phenylalanine.
Molecular consequence: missense variant.
Genome position (GRCh38, 1-based): chr17:65,537,600, G>A on the plus strand (C>T on the coding strand, the complement: AXIN2 is on the minus strand). VCF-style: chr17-65537600-G-A. GRCh37 (hg19) VCF-style: chr17-63533718-G-A.
Other names: c.1436C>T, p.Ser479Phe (NM_001363813.1); short protein forms S479F.
Identifiers: ClinVar variation 1010554 (VCV001010554.12), dbSNP rs137933764, ClinGen allele CA400677498.
Genomic context (GRCh38, chr17:65,537,600, plus strand): 5'-AGGGGGCAGGCGCCCGGCGAGGCGGCCGCGGGAGGCAGCTTGCCACCGGGCGGGAGCAGG[G>A]AGTGGTACTGCGAATGGTGGTGGTGGTGGTGGTCCGGGGAGCGGGAGCGGGGGCTATAGC-3'
Protein context (NP_004646.3, residues 469-489): HHHHHHSQYH[Ser479Phe]LLPPGGKLPP